The following is an entry in ClinVar:

NM_152564.5(VPS13B):c.5993G>A (p.Gly1998Asp)

Gene: VPS13B (vacuolar protein sorting 13 homolog B; plus strand). Cytogenetic location: 8q22.2.
Variant type: single nucleotide variant.
Coding change: c.5993G>A on transcript NM_152564.5 (MANE Select); coding-DNA position 5993, G replaced by A.
Protein change: p.Gly1998Asp; replaces glycine 1998 with aspartic acid.
Molecular consequence: missense variant.
Genome position (GRCh38, 1-based): chr8:99,661,438, G>A. VCF-style: chr8-99661438-G-A. GRCh37 (hg19) VCF-style: chr8-100673666-G-A.
Other names: c.6068G>A, p.Gly2023Asp (NM_017890.5); short protein forms G2023D, G1998D.
Identifiers: ClinVar variation 1751356 (VCV001751356.2), dbSNP rs2491290170, ClinGen allele CA371869002.

ClinVar aggregate classification (germline): Uncertain significance (1 of 4 stars; one submission).

Conditions:
Inborn genetic diseases. Identifiers: MedGen C0950123, MeSH D030342.

Submission:

Ambry Genetics
Classification: Uncertain significance for Inborn genetic diseases. Last evaluated: 2020-01-14. Review status: criteria provided, single submitter. Criteria: Ambry Variant Classification Scheme 2023. Collection method: clinical testing. Allele origin: germline.
Comment: The p.G2023D variant (also known as c.6068G>A), located in coding exon 34 of the VPS13B gene, results from a G to A substitution at nucleotide position 6068. The glycine at codon 2023 is replaced by aspartic acid, an amino acid with similar properties. This amino acid position is highly conserved in available vertebrate species. In addition, this alteration is predicted to be deleterious by in silico analysis. Since supporting evidence is limited at this time, the clinical significance of this alteration remains unclear.